The following is an entry in ClinVar:

ClinVar aggregate classification (germline): Uncertain significance (1 of 4 stars; one submission).

Conditions:
Hereditary diffuse gastric adenocarcinoma (HDGC). Also called: DIFFUSE GASTRIC AND LOBULAR BREAST CANCER SYNDROME. Identifiers: Orphanet 26106, MedGen C1708349, MONDO:0007648, OMIM 137215.

Submission:

Labcorp Genetics (formerly Invitae), Labcorp
Classification: Uncertain significance for Hereditary diffuse gastric adenocarcinoma. Last evaluated: 2020-09-01. Review status: criteria provided, single submitter. Criteria: Invitae Variant Classification Sherloc (09022015). Collection method: clinical testing. Allele origin: germline.
Comment: In summary, the available evidence is currently insufficient to determine the role of this variant in disease. Therefore, it has been classified as a Variant of Uncertain Significance. Algorithms developed to predict the effect of missense changes on protein structure and function are either unavailable or do not agree on the potential impact of this missense change (SIFT: "Deleterious"; PolyPhen-2: "Possibly Damaging"; Align-GVGD: "Class C15"). This variant has not been reported in the literature in individuals with CDH1-related conditions. This variant is not present in population databases (ExAC no frequency). This sequence change replaces alanine with aspartic acid at codon 389 of the CDH1 protein (p.Ala389Asp). The alanine residue is weakly conserved and there is a moderate physicochemical difference between alanine and aspartic acid.

NM_004360.5(CDH1):c.1166C>A (p.Ala389Asp)

Gene: CDH1 (cadherin 1; plus strand). Cytogenetic location: 16q22.1.
Variant type: single nucleotide variant.
Coding change: c.1166C>A on transcript NM_004360.5 (MANE Select); coding-DNA position 1166, C replaced by A.
Protein change: p.Ala389Asp; replaces alanine 389 with aspartic acid.
Molecular consequence: missense variant. On other transcripts: 5 prime UTR variant (2), intron variant (1).
Genome position (GRCh38, 1-based): chr16:68,813,341, C>A. VCF-style: chr16-68813341-C-A. GRCh37 (hg19) VCF-style: chr16-68847244-C-A.
Other names: c.-450C>A (NM_001317185.2); c.-654C>A (NM_001317186.2); c.1137+1078C>A (NM_001317184.2); short protein forms A389D.
Identifiers: ClinVar variation 961634 (VCV000961634.10), dbSNP rs1555515869, ClinGen allele CA396461127.